The following is an entry in ClinVar:

ClinVar aggregate classification (germline): Pathogenic (1 of 4 stars; one submission).

Submission:

Quest Diagnostics Nichols Institute San Juan Capistrano
Classification: Pathogenic. Last evaluated: 2023-07-03. Review status: criteria provided, single submitter. Criteria: ACMG/ClinGen CNV Guidelines, 2019. Collection method: clinical testing. Allele origin: unknown.
Comment: This loss involves multiple protein-coding genes, including STS (OMIM 300747), ANOS1 (OMIM 308700), NLGN4X (OMIM 300427), and ARSL (OMIM 300180). STS deletion in males is consistent with X-linked ichthyosis (XLI; OMIM 308100; CCID:007950; Kent 2008), and complete loss of ANOS1 is associated with hypogonadotropic hypogonadism-1 with or without anosmia (HH1; OMIM 308700; CCID:006669; Shaw 2011). Furthermore, heterozygous missense and truncating variants, including full deletions of NLGN4X are associated with X-linked intellectual developmental disorder (OMIM 300495; Kushima 2018, Isrie 2012), and heterozygous missense and nonsense variants of ARSL are associated with chondrodysplasia punctata-1 (CDPX1; OMIM 302950; CCID:006694). Therefore, this copy number variant (CNV) is classified as pathogenic. References: Isrie et al., Eur J Med Genet. 2012 Nov;55(11):577-85. PMID: 22659343; Kent et al., J Med Genet. 2008 Aug;45(8):519-24. PMID: 18413370; Kushima et al., Cell Rep. 2018 Sep 11;24(11):2838-2856. PMID: 30208311

GRCh37/hg19 Xp22.33-22.2(chrX:1932788-9676331)x1

Genes: ANOS1 (anosmin 1; minus strand), ARSD (arylsulfatase D; minus strand), ARSD-AS1 (ARSD antisense RNA 1; plus strand), ARSF (arylsulfatase F; plus strand), ARSH (arylsulfatase family member H; plus strand) and 16 more. Cytogenetic location: Xp22.33-22.2.
Variant type: copy number loss.
Change: copy number 1 of chrX:1,932,788-9,676,331 (7.74 Mb, GRCh37 coordinates, 1-based), cytogenetic band Xp22.33-22.2.
Identifiers: ClinVar variation 1808630 (VCV001808630.1).